The following is an entry in ClinVar:

ClinVar aggregate classification (germline): Uncertain significance (1 of 4 stars; one submission).

Allele frequency attached by ClinVar (database versions not stated): ExAC 0.00004; TOPMed 0.00005; ESP Exome Variant Server 0.00024; gnomAD exomes below 0.00001; gnomAD 0.00006.
gnomAD v4.1: 14 of 1,613,310 alleles (0.00087%); highest among the groups gnomAD compares: African/African-American, 0.019%; no homozygotes.

Submission:

Labcorp Genetics (formerly Invitae), Labcorp
Classification: Uncertain significance. Last evaluated: 2022-10-07. Review status: criteria provided, single submitter. Criteria: Invitae Variant Classification Sherloc (09022015). Collection method: clinical testing. Allele origin: germline.
Comment: In summary, the available evidence is currently insufficient to determine the role of this variant in disease. Therefore, it has been classified as a Variant of Uncertain Significance. Variants that disrupt the consensus splice site are a relatively common cause of aberrant splicing (PMID: 17576681, 9536098). Algorithms developed to predict the effect of sequence changes on RNA splicing suggest that this variant is not likely to affect RNA splicing. This variant has not been reported in the literature in individuals affected with HOMER2-related conditions. This variant is present in population databases (rs367640609, gnomAD 0.04%). This sequence change falls in intron 5 of the HOMER2 gene. It does not directly change the encoded amino acid sequence of the HOMER2 protein. It affects a nucleotide within the consensus splice site.

Literature cited by the submitters: PubMed 17576681; PubMed 9536098.

NM_004839.4(HOMER2):c.494+4A>G

Gene: HOMER2 (homer scaffold protein 2; minus strand). Cytogenetic location: 15q25.2.
Variant type: single nucleotide variant.
Coding change: c.494+4A>G on transcript NM_004839.4 (MANE Select); 4 bases into the intron after coding-DNA position 494, A replaced by G.
Molecular consequence: intron variant.
Genome position (GRCh38, 1-based): chr15:82,859,025, T>C on the plus strand (A>G on the coding strand, the complement: HOMER2 is on the minus strand). VCF-style: chr15-82859025-T-C. GRCh37 (hg19) VCF-style: chr15-83527777-T-C.
Other names: c.527+4A>G (NM_199330.3).
Identifiers: ClinVar variation 2063632 (VCV002063632.4), dbSNP rs367640609, ClinGen allele CA7702134.